The following is an entry in ClinVar:

NM_006013.5(RPL10):c.*111C>G

Gene: RPL10 (ribosomal protein L10; plus strand). Cytogenetic location: Xq28.
Variant type: single nucleotide variant.
Coding change: c.*111C>G on transcript NM_006013.5 (MANE Select); 111 bases downstream of the stop codon, C replaced by G.
Molecular consequence: 3 prime UTR variant. On other transcripts: missense variant (1).
Genome position (GRCh38, 1-based): chrX:154,400,965, C>G. VCF-style: chrX-154400965-C-G. GRCh37 (hg19) VCF-style: chrX-153629306-C-G.
Other names: c.593C>G, p.Thr198Ser (NM_001256577.2); c.*111C>G (NM_001256580.2, NM_001303624.2, NM_001303625.1); c.*307C>G (NM_001303626.1); short protein forms T198S.
Identifiers: ClinVar variation 3781197 (VCV003781197.1).
Genomic context (GRCh38, chrX:154,400,965, plus strand): 5'-TCCTGTCCACCTATGTCTTTGTATCTACATTCTTGACGGGGAAGGAACTTCCTCTGGGAA[C>G]CTTTGGGTCATTGCCCTTTCACTTCAGAAACAGGTTGACAACTCAGCCCTGCTCATGAGG-3'

ClinVar aggregate classification (germline): Uncertain significance (1 of 4 stars; one submission).

gnomAD v4.1: 1 of 1,179,282 alleles (0.000085%); highest among the groups gnomAD compares: Admixed American, 0.0024%; no homozygotes.

Submission:

GeneDx
Classification: Uncertain significance. Last evaluated: 2024-10-15. Review status: criteria provided, single submitter. Criteria: GeneDx Variant Classification Process June 2021. Collection method: clinical testing. Allele origin: germline. Affected: yes.
Comment: In silico analysis does not support a benign or deleterious effect of this variant on protein structure/function; Has not been previously published as pathogenic or benign to our knowledge; Reported using an alternate transcript of the gene